The following is an entry in ClinVar:

ClinVar aggregate classification (germline): Benign. Review status: criteria provided, multiple submitters, no conflicts (2 of 4 stars). 3 submissions from 3 submitters: Benign (3). Last evaluated 2023-02-01.

Conditions:
Nicolaides-Baraitser syndrome (NCBRS). Also called: SMARCA2-Related Nicolaides-Baraitser Syndrome; Intellectual disability-sparse hair-brachydactyly syndrome. Identifiers: Orphanet 3051, MedGen C1303073, MONDO:0011053, OMIM 601358.

Allele frequency attached by ClinVar (database versions not stated): gnomAD exomes 0.00006 and 0.00016; gnomAD 0.00009 and 0.00010; TOPMed 0.00012; ExAC 0.00013.
gnomAD v4.1: 119 of 1,613,096 alleles (0.0074%); highest among the groups gnomAD compares: Non-Finnish European, 0.0013%; no homozygotes.

Submissions (3):

CeGaT Center for Human Genetics Tuebingen
Classification: Benign. Last evaluated: 2023-02-01. Review status: criteria provided, single submitter. Criteria: CeGaT Center For Human Genetics Tuebingen Variant Classification Criteria Version 2. Collection method: clinical testing. Allele origin: germline. Affected: yes. Observed: 1 variant allele.
Comment: SMARCA2: BP4, BS1, BS2

Illumina Laboratory Services, Illumina
Classification: Benign for Nicolaides-Baraitser syndrome. Last evaluated: 2018-01-13. Review status: criteria provided, single submitter. Criteria: ICSL Variant Classification Criteria 13 December 2019. Collection method: clinical testing. Allele origin: germline.
Comment: This variant was observed in the ICSL laboratory as part of a predisposition screen in an ostensibly healthy population. It had not been previously curated by ICSL or reported in the Human Gene Mutation Database (HGMD: prior to June 1st, 2018), and was therefore a candidate for classification through an automated scoring system. Utilizing variant allele frequency, disease prevalence and penetrance estimates, and inheritance mode, an automated score was calculated to assess if this variant is too frequent to cause the disease. Based on the score and internal cut-off values, a variant classified as benign is not then subjected to further curation. The score for this variant resulted in a classification of benign for this disease.

Breakthrough Genomics
Classification: Benign. Review status: criteria provided, single submitter. Criteria: ACMG Guidelines, 2015. Collection method: not provided. Allele origin: germline. Inheritance: Autosomal dominant inheritance. Affected: yes.

NM_003070.5(SMARCA2):c.734A>T (p.Gln245Leu)

Gene: SMARCA2 (SWI/SNF related BAF chromatin remodeling complex subunit ATPase 2; plus strand). Cytogenetic location: 9p24.3.
Variant type: single nucleotide variant.
Coding change: c.734A>T on transcript NM_003070.5 (MANE Select); coding-DNA position 734, A replaced by T.
Protein change: p.Gln245Leu; replaces glutamine 245 with leucine.
Molecular consequence: missense variant.
Genome position (GRCh38, 1-based): chr9:2,039,844, A>T. VCF-style: chr9-2039844-A-T. GRCh37 (hg19) VCF-style: chr9-2039844-A-T.
Other names: c.734A>T, p.Gln245Leu (NM_001289396.2, NM_001289397.2, NM_139045.4); short protein forms Q245L.
Identifiers: ClinVar variation 912952 (VCV000912952.28), dbSNP rs760953290, ClinGen allele CA4962987.